The following is an entry in ClinVar:

ClinVar aggregate classification (germline): Uncertain significance (0 of 4 stars; one submission).

Conditions:
ARL6-related disorder. Also called: ARL6-related condition.

Submission:

PreventionGenetics, part of Exact Sciences
Classification: Uncertain significance for ARL6-related condition. Last evaluated: 2024-08-29. Review status: no assertion criteria provided. Collection method: clinical testing. Allele origin: germline.
Comment: The ARL6 c.102T>G variant is predicted to result in the amino acid substitution p.Ile34Met. To our knowledge, this variant has not been reported in the literature or in a large population database, indicating this variant is rare. At this time, the clinical significance of this variant is uncertain due to the absence of conclusive functional and genetic evidence.

NM_001278293.3(ARL6):c.102T>G (p.Ile34Met)

Gene: ARL6 (ARF like GTPase 6; plus strand). Cytogenetic location: 3q11.2.
Variant type: single nucleotide variant.
Coding change: c.102T>G on transcript NM_001278293.3 (MANE Select); coding-DNA position 102, T replaced by G.
Protein change: p.Ile34Met; replaces isoleucine 34 with methionine.
Molecular consequence: missense variant. On other transcripts: non-coding transcript variant (7).
Genome position (GRCh38, 1-based): chr3:97,768,209, T>G. VCF-style: chr3-97768209-T-G. GRCh37 (hg19) VCF-style: chr3-97487053-T-G.
Other names: c.102T>G, p.Ile34Met (NM_001323513.2, NM_001323514.2, NM_032146.5 and 1 more transcripts); short protein forms I34M.
Identifiers: ClinVar variation 3345011 (VCV003345011.1).